The following is an entry in ClinVar:

ClinVar aggregate classification (germline): Pathogenic (1 of 4 stars; one submission).

Submission:

Labcorp Genetics (formerly Invitae), Labcorp
Classification: Pathogenic. Last evaluated: 2019-12-20. Review status: criteria provided, single submitter. Criteria: Invitae Variant Classification Sherloc (09022015). Collection method: clinical testing. Allele origin: germline.
Comment: This variant is a gross deletion of the genomic region encompassing exon 1 of the PROM1 gene, which includes the initiator codon. The 5' end of this event is unknown as it extends beyond the assayed region for this gene and therefore may encompass additional genes. The 3' boundary is likely confined to intron 1 of the PROM1 gene. This is expected to result in an absent or disrupted protein product. This variant has not been reported in the literature in individuals with PROM1-related conditions. Loss-of-function variants in PROM1 are known to be pathogenic (PMID: 17605048, 19718270, 24154662). For these reasons, this variant has been classified as Pathogenic.

NC_000004.12:g.(?_16048828)_(16075906_?)del

Gene: PROM1 (prominin 1; minus strand). Cytogenetic location: 4p15.32.
Variant type: Deletion.
Identifiers: ClinVar variation 831446 (VCV000831446.1).